The following is an entry in ClinVar:

ClinVar aggregate classification (germline): Conflicting classifications of pathogenicity. Review status: criteria provided, conflicting classifications (1 of 4 stars). 5 submissions from 5 submitters: Uncertain significance (1); Likely benign (4). Last evaluated 2023-08-22.

Conditions:
Hereditary cancer-predisposing syndrome. Also called: Tumor predisposition; Neoplastic Syndromes, Hereditary; Hereditary Cancer Syndrome; Hereditary neoplastic syndrome. Identifiers: Orphanet 140162, MedGen C0027672, MeSH D009386, MONDO:0015356.
Lynch syndrome 5 (LYNCH5). Also called: Colorectal cancer, hereditary nonpolyposis, type 5; Hereditary non-polyposis colorectal cancer, type 5. Identifiers: Orphanet 144, MedGen C1833477, MONDO:0013710, OMIM 614350. Disease mechanism: loss of function.
Hereditary nonpolyposis colorectal neoplasms. Identifiers: MedGen C0009405, MeSH D003123.
Endometrial carcinoma. Also called: Endometrial carcinoma, somatic. Identifiers: MedGen C0476089, MONDO:0002447, OMIM 608089, HP:0012114.

Allele frequency attached by ClinVar (database versions not stated): gnomAD exomes below 0.00001; TOPMed 0.00001.
gnomAD v4.1: 2 of 1,614,194 alleles (0.00012%); highest among the groups gnomAD compares: Non-Finnish European, 0.00017%; no homozygotes.

Submissions (5):

Quest Diagnostics Nichols Institute San Juan Capistrano
Classification: Uncertain significance. Last evaluated: 2023-08-22. Review status: criteria provided, single submitter. Criteria: Quest Diagnostics criteria. Collection method: clinical testing. Allele origin: unknown.
Comment: To the best of our knowledge, this variant has not been reported in the published literature. It also has not been reported in large, multi-ethnic general populations (Genome Aggregation Database). Analysis of this variant using software algorithms for the prediction of the effect of nucleotide changes on splicing yielded predictions that this variant does not affect MSH6 mRNA splicing . Based on the available information, we are unable to determine the clinical significance of this variant.

Department of Pathology and Laboratory Medicine, Sinai Health System
Classification: Likely benign for Endometrial carcinoma; Lynch syndrome 5. Last evaluated: 2023-05-26. Review status: criteria provided, single submitter. Criteria: ACMG Guidelines, 2015. Collection method: clinical testing. Allele origin: germline. Affected: yes.

Labcorp Genetics (formerly Invitae), Labcorp
Classification: Likely benign for Hereditary nonpolyposis colorectal neoplasms. Last evaluated: 2022-09-20. Review status: criteria provided, single submitter. Criteria: Invitae Variant Classification Sherloc (09022015). Collection method: clinical testing. Allele origin: germline.

Mendelics
Classification: Likely benign for Lynch syndrome 5. Last evaluated: 2019-05-28. Review status: criteria provided, single submitter. Criteria: Mendelics Assertion Criteria 2017. Collection method: clinical testing. Allele origin: unknown.

Ambry Genetics
Classification: Likely benign for Hereditary cancer-predisposing syndrome. Last evaluated: 2018-01-29. Review status: criteria provided, single submitter. Criteria: Ambry Variant Classification Scheme 2023. Collection method: clinical testing. Allele origin: germline.

NM_000179.3(MSH6):c.520A>C (p.Arg174=)

Gene: MSH6 (mutS homolog 6; plus strand). Cytogenetic location: 2p16.3.
Variant type: single nucleotide variant.
Coding change: c.520A>C on transcript NM_000179.3 (MANE Select); coding-DNA position 520, A replaced by C.
Protein change: p.Arg174=; no amino-acid change (arginine 174 retained).
Molecular consequence: synonymous variant. On other transcripts: 5 prime UTR variant (1), intron variant (2).
Genome position (GRCh38, 1-based): chr2:47,795,956, A>C. VCF-style: chr2-47795956-A-C. GRCh37 (hg19) VCF-style: chr2-48023095-A-C.
Other names: c.-383A>C (NM_001281494.2); c.-279-2655A>C (NM_001281493.2); c.238-2655A>C (NM_001281492.2).
Identifiers: ClinVar variation 761128 (VCV000761128.18), dbSNP rs1405000889, ClinGen allele CA425992849.